The following is an entry in ClinVar:

ClinVar aggregate classification (germline): Conflicting classifications of pathogenicity. Review status: criteria provided, conflicting classifications (1 of 4 stars). 7 submissions from 6 submitters: Uncertain significance (2); Benign (1); Likely benign (4). Last evaluated 2026-07-01.

Conditions:
Emery-Dreifuss muscular dystrophy 4, autosomal dominant (EDMD4). Also called: EMERY-DREIFUSS MUSCULAR DYSTROPHY 4 WITH VARIABLE FEATURES. Identifiers: Orphanet 261, MedGen C2751807, MONDO:0013071, OMIM 612998.
Autosomal recessive ataxia, Beauce type. Also called: SYNE1 Deficiency; ATAXIA, RECESSIVE, OF BEAUCE; Spinocerebellar ataxia, autosomal recessive 8; SYNE1-Related Autosomal Recessive Cerebellar Ataxia. Identifiers: Orphanet 88644, MedGen C1853116, MONDO:0012549, OMIM 610743.

Allele frequency attached by ClinVar (database versions not stated): ESP Exome Variant Server 0.00008; gnomAD exomes 0.00020 and 0.00028; gnomAD 0.00021 and 0.00023; ExAC 0.00022; TOPMed 0.00022.
gnomAD v4.1: 431 of 1,611,248 alleles (0.027%); highest among the groups gnomAD compares: Non-Finnish European, 0.034%; no homozygotes.

Submissions (7):

CeGaT Center for Human Genetics Tuebingen
Classification: Likely benign. Last evaluated: 2026-07-01. Review status: criteria provided, single submitter. Criteria: CeGaT Center For Human Genetics Tuebingen Variant Classification Criteria Version 2. Collection method: clinical testing. Allele origin: germline. Affected: yes. Observed: 4 variant alleles.
Comment: SYNE1: BP4

Labcorp Genetics (formerly Invitae), Labcorp
Classification: Likely benign for Emery-Dreifuss muscular dystrophy 4, autosomal dominant; Autosomal recessive ataxia, Beauce type. Last evaluated: 2026-01-26. Review status: criteria provided, single submitter. Criteria: Invitae Variant Classification Sherloc (09022015). Collection method: clinical testing. Allele origin: germline.

Blueprint Genetics
Classification: Likely benign. Last evaluated: 2024-10-02. Review status: criteria provided, single submitter. Criteria: ACMG Guidelines, 2015. Collection method: clinical testing. Allele origin: germline.

Athena Diagnostics
Classification: Likely benign. Last evaluated: 2022-03-16. Review status: criteria provided, single submitter. Criteria: Athena Diagnostics Criteria. Collection method: clinical testing. Allele origin: unknown.

Illumina Laboratory Services, Illumina
Classification: Uncertain significance for Autosomal recessive ataxia, Beauce type. Last evaluated: 2018-01-13. Review status: criteria provided, single submitter. Criteria: ICSL Variant Classification Criteria 13 December 2019. Collection method: clinical testing. Allele origin: germline.

Illumina Laboratory Services, Illumina
Classification: Benign for Emery-Dreifuss muscular dystrophy 4, autosomal dominant. Last evaluated: 2018-01-13. Review status: criteria provided, single submitter. Criteria: ICSL Variant Classification Criteria 13 December 2019. Collection method: clinical testing. Allele origin: germline.
Comment: This variant was observed in the ICSL laboratory as part of a predisposition screen in an ostensibly healthy population. It had not been previously curated by ICSL or reported in the Human Gene Mutation Database (HGMD: prior to June 1st, 2018), and was therefore a candidate for classification through an automated scoring system. Utilizing variant allele frequency, disease prevalence and penetrance estimates, and inheritance mode, an automated score was calculated to assess if this variant is too frequent to cause the disease. Based on the score and internal cut-off values, a variant classified as benign is not then subjected to further curation. The score for this variant resulted in a classification of benign for this disease.

Eurofins Ntd Llc (ga)
Classification: Uncertain significance. Last evaluated: 2017-06-20. Review status: criteria provided, single submitter. Criteria: EGL Classification Definitions 2015. Collection method: clinical testing. Allele origin: germline. Observed: 5 variant alleles, 5 heterozygotes.

NM_182961.4(SYNE1):c.2569-8C>T

Gene: SYNE1 (spectrin repeat containing nuclear envelope protein 1; minus strand). Cytogenetic location: 6q25.2.
Variant type: single nucleotide variant.
Coding change: c.2569-8C>T on transcript NM_182961.4 (MANE Select); 8 bases into the intron before coding-DNA position 2569, C replaced by T.
Molecular consequence: intron variant.
Genome position (GRCh38, 1-based): chr6:152,456,052, G>A on the plus strand (C>T on the coding strand, the complement: SYNE1 is on the minus strand). VCF-style: chr6-152456052-G-A. GRCh37 (hg19) VCF-style: chr6-152777187-G-A.
Other names: c.2590-8C>T (NM_033071.5).
Identifiers: ClinVar variation 195779 (VCV000195779.46), dbSNP rs376033376, ClinGen allele CA242369.